The following is an entry in ClinVar:

ClinVar aggregate classification (germline): Conflicting classifications of pathogenicity. Review status: criteria provided, conflicting classifications (1 of 4 stars). 11 submissions from 11 submitters: Uncertain significance (1); Benign (5); Likely benign (3). 2 of the submissions do not count toward it. Last evaluated 2026-01-29.

Conditions:
Myofibrillar myopathy 5. Also called: Filaminopathy (type); FILAMINOPATHY, AUTOSOMAL DOMINANT. Identifiers: Orphanet 171445, MedGen C1836050, MONDO:0012289, OMIM 609524.
Hypertrophic cardiomyopathy 26. Also called: Cardiomyopathy, familial hypertrophic, 26. Identifiers: Orphanet 75249, MedGen C4310749, MONDO:0014883, OMIM 617047.
Distal myopathy with posterior leg and anterior hand involvement. Also called: WILLIAMS DISTAL MYOPATHY. Identifiers: Orphanet 63273, MedGen C3279722, MONDO:0013550, OMIM 614065.
Cardiovascular phenotype. Identifiers: MedGen CN230736.
Cardiomyopathy (CMYO). Also called: Cardiomyopathies. Identifiers: Orphanet 167848, MedGen C0878544, MONDO:0004994, HP:0001638. Inheritance: Various modes of inheritance.

Allele frequency attached by ClinVar (database versions not stated): gnomAD exomes 0.00026 and 0.00059; ExAC 0.00121; 1000 Genomes Project 0.00260; gnomAD 0.00268 and 0.00291; ESP Exome Variant Server 0.00289; 1000 Genomes Project 30x 0.00297; TOPMed 0.00302.
gnomAD v4.1: 767 of 1,550,734 alleles (0.049%); highest among the groups gnomAD compares: African/African-American, 0.98%; 1 homozygote.

Submissions (11):

Labcorp Genetics (formerly Invitae), Labcorp
Classification: Benign for Distal myopathy with posterior leg and anterior hand involvement; Myofibrillar myopathy 5; Hypertrophic cardiomyopathy 26. Last evaluated: 2026-01-29. Review status: criteria provided, single submitter. Criteria: Invitae Variant Classification Sherloc (09022015). Collection method: clinical testing. Allele origin: germline.

Mayo Clinic Laboratories, Mayo Clinic
Classification: Benign. Last evaluated: 2024-11-07. Review status: criteria provided, single submitter. Criteria: ACMG Guidelines, 2015. Collection method: clinical testing. Allele origin: germline. Observed: 6 variant alleles.
Comment: BA1, BS2

Blueprint Genetics
Classification: Likely benign. Last evaluated: 2024-07-16. Review status: criteria provided, single submitter. Criteria: ACMG Guidelines, 2015. Collection method: clinical testing. Allele origin: germline.

Women's Health and Genetics/Laboratory Corporation of America, LabCorp
Classification: Likely benign. Last evaluated: 2023-07-30. Review status: criteria provided, single submitter. Criteria: LabCorp Variant Classification Summary - May 2015. Collection method: clinical testing. Allele origin: germline.

CHEO Genetics Diagnostic Laboratory, Children's Hospital of Eastern Ontario
Classification: Benign for Cardiomyopathy. Last evaluated: 2023-01-31. Review status: criteria provided, single submitter. Criteria: ACMG Guidelines, 2015. Collection method: clinical testing. Allele origin: germline.

Ambry Genetics
Classification: Benign for Cardiovascular phenotype. Last evaluated: 2019-01-09. Review status: criteria provided, single submitter. Criteria: Ambry Variant Classification Scheme 2023. Collection method: clinical testing. Allele origin: germline.

GeneDx
Classification: Benign. Last evaluated: 2018-09-04. Review status: criteria provided, single submitter. Criteria: GeneDx Variant Classification Process June 2021. Collection method: clinical testing. Allele origin: germline. Affected: yes.

Eurofins Ntd Llc (ga)
Classification: Uncertain significance. Last evaluated: 2017-01-02. Review status: criteria provided, single submitter. Criteria: EGL Classification Definitions 2015. Collection method: clinical testing. Allele origin: germline. Observed: 1 variant allele, 1 heterozygote.

Genetic Services Laboratory, University of Chicago
Classification: Likely benign. Last evaluated: 2015-05-26. Review status: criteria provided, single submitter. Criteria: ACMG Guidelines, 2015. Collection method: clinical testing. Allele origin: germline.

Clinical Genetics, Academic Medical Center
Classification: Benign. Review status: no assertion criteria provided. Collection method: clinical testing. Allele origin: germline. Affected: yes. Study: VKGL Data-share Consensus. Not counted in ClinVar's aggregate classification.

Genome Diagnostics Laboratory, University Medical Center Utrecht
Classification: Likely benign. Review status: no assertion criteria provided. Collection method: clinical testing. Allele origin: germline. Affected: yes. Study: VKGL Data-share Consensus. Not counted in ClinVar's aggregate classification.

NM_001458.5(FLNC):c.8003T>C (p.Met2668Thr)

Genes: FLNC (filamin C; plus strand), FLNC-AS1 (FLNC antisense RNA 1; minus strand). Cytogenetic location: 7q32.1.
Variant type: single nucleotide variant.
Coding change: c.8003T>C on transcript NM_001458.5 (MANE Select); coding-DNA position 8003, T replaced by C.
Protein change: p.Met2668Thr; replaces methionine 2668 with threonine.
Molecular consequence: missense variant.
Genome position (GRCh38, 1-based): chr7:128,858,348, T>C. VCF-style: chr7-128858348-T-C. GRCh37 (hg19) VCF-style: chr7-128498402-T-C.
Other names: p.Met2668Thr; c.7904T>C, p.Met2635Thr (NM_001127487.2); short protein forms M2668T, M2635T.
Identifiers: ClinVar variation 211026 (VCV000211026.30), dbSNP rs200502811, ClinGen allele CA209448.